The following is an entry in ClinVar:

NM_001099274.3(TINF2):c.995G>C (p.Cys332Ser)

Gene: TINF2 (TERF1 interacting nuclear factor 2; minus strand). Cytogenetic location: 14q12.
Variant type: single nucleotide variant.
Coding change: c.995G>C on transcript NM_001099274.3 (MANE Select); coding-DNA position 995, G replaced by C.
Protein change: p.Cys332Ser; replaces cysteine 332 with serine.
Molecular consequence: missense variant.
Genome position (GRCh38, 1-based): chr14:24,240,485, C>G on the plus strand (G>C on the coding strand, the complement: TINF2 is on the minus strand). VCF-style: chr14-24240485-C-G. GRCh37 (hg19) VCF-style: chr14-24709691-C-G.
Other names: c.890G>C, p.Cys297Ser (NM_001363668.2); c.995G>C, p.Cys332Ser (NM_012461.3); short protein forms C297S, C332S.
Identifiers: ClinVar variation 3624029 (VCV003624029.2).

ClinVar aggregate classification (germline): Uncertain significance (1 of 4 stars; one submission).

Conditions:
Dyskeratosis congenita. Identifiers: Orphanet 1775, MedGen C0265965, MONDO:0015780.

gnomAD v4.1: 2 of 1,614,228 alleles (0.00012%); highest among the groups gnomAD compares: Admixed American, 0.0033%; no homozygotes.

Submission:

Labcorp Genetics (formerly Invitae), Labcorp
Classification: Uncertain significance for Dyskeratosis congenita. Last evaluated: 2024-02-28. Review status: criteria provided, single submitter. Criteria: Invitae Variant Classification Sherloc (09022015). Collection method: clinical testing. Allele origin: germline.
Comment: This sequence change replaces cysteine, which is neutral and slightly polar, with serine, which is neutral and polar, at codon 332 of the TINF2 protein (p.Cys332Ser). This variant is present in population databases (rs750745512, gnomAD 0.006%). This variant has not been reported in the literature in individuals affected with TINF2-related conditions. Algorithms developed to predict the effect of missense changes on protein structure and function output the following: SIFT: "Not Available"; PolyPhen-2: "Benign"; Align-GVGD: "Not Available". The serine amino acid residue is found in multiple mammalian species, which suggests that this missense change does not adversely affect protein function. In summary, the available evidence is currently insufficient to determine the role of this variant in disease. Therefore, it has been classified as a Variant of Uncertain Significance.